The following is an entry in ClinVar:

NM_000363.5(TNNI3):c.271G>A (p.Ala91Thr)

Gene: TNNI3 (troponin I3, cardiac type; minus strand). Cytogenetic location: 19q13.42.
Variant type: single nucleotide variant.
Coding change: c.271G>A on transcript NM_000363.5 (MANE Select); coding-DNA position 271, G replaced by A.
Protein change: p.Ala91Thr; replaces alanine 91 with threonine.
Molecular consequence: missense variant.
Genome position (GRCh38, 1-based): chr19:55,156,212, C>T on the plus strand (G>A on the coding strand, the complement: TNNI3 is on the minus strand). VCF-style: chr19-55156212-C-T. GRCh37 (hg19) VCF-style: chr19-55667580-C-T.
Other names: short protein forms A91T.
Identifiers: ClinVar variation 920199 (VCV000920199.4), dbSNP rs1568859108, ClinGen allele CA407441677.

ClinVar aggregate classification (germline): Uncertain significance. Review status: criteria provided, multiple submitters, no conflicts (2 of 4 stars). 2 submissions from 2 submitters: Uncertain significance (2). Last evaluated 2025-12-25.

Conditions:
Hypertrophic cardiomyopathy. Also called: HYPERTROPHIC MYOCARDIOPATHY. Identifiers: Orphanet 217569, MedGen C0007194, MeSH D002312, MONDO:0005045, HP:0001639.
Cardiomyopathy (CMYO). Also called: Cardiomyopathies. Identifiers: Orphanet 167848, MedGen C0878544, MONDO:0004994, HP:0001638. Inheritance: Various modes of inheritance.

Allele frequency attached by ClinVar (database versions not stated): gnomAD exomes below 0.00001.
gnomAD v4.1: 2 of 1,612,754 alleles (0.00012%); highest among the groups gnomAD compares: Admixed American, 0.0017%; no homozygotes.

Submissions (2):

Labcorp Genetics (formerly Invitae), Labcorp
Classification: Uncertain significance for Hypertrophic cardiomyopathy. Last evaluated: 2025-12-25. Review status: criteria provided, single submitter. Criteria: Invitae Variant Classification Sherloc (09022015). Collection method: clinical testing. Allele origin: germline.
Comment: This sequence change replaces alanine, which is neutral and non-polar, with threonine, which is neutral and polar, at codon 91 of the TNNI3 protein (p.Ala91Thr). This variant is not present in population databases (gnomAD no frequency). This missense change has been observed in individual(s) with dilated cardiomyopathy (PMID: 20086309). ClinVar contains an entry for this variant (Variation ID: 920199). An algorithm developed to predict the effect of missense changes on protein structure and function outputs the following: PolyPhen-2: "Benign". The threonine amino acid residue is found in multiple mammalian species, which suggests that this missense change does not adversely affect protein function. In summary, the available evidence is currently insufficient to determine the role of this variant in disease. Therefore, it has been classified as a Variant of Uncertain Significance.

Color Diagnostics, LLC DBA Color Health
Classification: Uncertain significance for Cardiomyopathy. Last evaluated: 2020-04-27. Review status: criteria provided, single submitter. Criteria: ACMG Guidelines, 2015. Collection method: clinical testing. Allele origin: germline.
Comment: This missense variant replaces alanine with threonine at codon 91 of the TNNI3 protein. Computational prediction suggests that this variant may not impact protein structure and function (internally defined REVEL score threshold <= 0.5, PMID: 27666373). To our knowledge, functional studies have not been reported for this variant. This variant has been reported in an individual affected with dilated cardiomyopathy (PMID: 20086309), and in an individual affected with hypertrophic cardiomyopathy (Satyanarayana et al., 2013). This variant has been identified in 1/242568 chromosomes in the general population by the Genome Aggregation Database (gnomAD). The available evidence is insufficient to determine the role of this variant in disease conclusively. Therefore, this variant is classified as a Variant of Uncertain Significance.

Literature cited by the submitters: PubMed 20086309 (cited by Labcorp Genetics (formerly Invitae), Labcorp).